The following is an entry in ClinVar:

ClinVar aggregate classification (germline): Conflicting classifications of pathogenicity. Review status: criteria provided, conflicting classifications (1 of 4 stars). 8 submissions from 8 submitters: Uncertain significance (1); Benign (1); Likely benign (5). 1 of the submissions does not count toward it. Last evaluated 2026-04-01.

Conditions:
Intellectual disability. Also called: Intellectual functioning disability; Intellectual developmental disorder; intellectual disabilities. Identifiers: MedGen C3714756, MeSH D008607, MONDO:0001071, HP:0001249.
NARS2-related disorder. Also called: NARS2-related condition.

Allele frequency attached by ClinVar (database versions not stated): 1000 Genomes Project 0.00180; 1000 Genomes Project 30x 0.00187; TOPMed 0.00217; gnomAD 0.00227 and 0.00236; ExAC 0.00257; ESP Exome Variant Server 0.00262; gnomAD exomes 0.00265 and 0.00357.
gnomAD v4.1: 5,506 of 1,611,924 alleles (0.34%); highest among the groups gnomAD compares: South Asian, 0.73%; 21 homozygotes.

Submissions (8):

CeGaT Center for Human Genetics Tuebingen
Classification: Likely benign. Last evaluated: 2026-04-01. Review status: criteria provided, single submitter. Criteria: CeGaT Center For Human Genetics Tuebingen Variant Classification Criteria Version 2. Collection method: clinical testing. Allele origin: germline. Affected: yes. Observed: 8 variant alleles.
Comment: NARS2: BP4, BS2

Labcorp Genetics (formerly Invitae), Labcorp
Classification: Benign. Last evaluated: 2026-01-19. Review status: criteria provided, single submitter. Criteria: Invitae Variant Classification Sherloc (09022015). Collection method: clinical testing. Allele origin: germline.

Blueprint Genetics
Classification: Likely benign. Last evaluated: 2024-11-27. Review status: criteria provided, single submitter. Criteria: ACMG Guidelines, 2015. Collection method: clinical testing. Allele origin: germline.

Mayo Clinic Laboratories, Mayo Clinic
Classification: Likely benign. Last evaluated: 2024-11-04. Review status: criteria provided, single submitter. Criteria: ACMG Guidelines, 2015. Collection method: clinical testing. Allele origin: germline. Observed: 3 variant alleles.
Comment: BA1, BP4, BP7

Cambridge Genomics Laboratory, East Genomic Laboratory Hub, NHS Genomic Medicine Service
Classification: Uncertain significance for Intellectual disability. Last evaluated: 2019-08-21. Review status: criteria provided, single submitter. Criteria: ACGS Best Practice Guidelines for Variant Classification in Rare Disease 2020. Collection method: clinical testing. Allele origin: germline. Affected: yes. Observed: 1 variant allele.

GeneDx
Classification: Likely benign. Last evaluated: 2018-02-06. Review status: criteria provided, single submitter. Criteria: GeneDx Variant Classification (06012015). Collection method: clinical testing. Allele origin: germline. Affected: yes.
Comment: This variant is considered likely benign or benign based on one or more of the following criteria: it is a conservative change, it occurs at a poorly conserved position in the protein, it is predicted to be benign by multiple in silico algorithms, and/or has population frequency not consistent with disease.

Breakthrough Genomics
Classification: Likely benign. Review status: criteria provided, single submitter. Criteria: ACMG Guidelines, 2015. Collection method: not provided. Allele origin: germline. Inheritance: Autosomal recessive inheritance. Affected: yes.

PreventionGenetics, part of Exact Sciences
Classification: Likely benign for NARS2-related condition. Last evaluated: 2019-06-13. Review status: no assertion criteria provided. Collection method: clinical testing. Allele origin: germline. Not counted in ClinVar's aggregate classification.
Comment: This variant is classified as likely benign based on ACMG/AMP sequence variant interpretation guidelines (Richards et al. 2015 PMID: 25741868, with internal and published modifications).

NM_024678.6(NARS2):c.1289+7A>G

Gene: NARS2 (asparaginyl-tRNA synthetase 2, mitochondrial; minus strand). Cytogenetic location: 11q14.1.
Variant type: single nucleotide variant.
Coding change: c.1289+7A>G on transcript NM_024678.6 (MANE Select); 7 bases into the intron after coding-DNA position 1289, A replaced by G.
Molecular consequence: intron variant.
Genome position (GRCh38, 1-based): chr11:78,441,084, T>C on the plus strand (A>G on the coding strand, the complement: NARS2 is on the minus strand). VCF-style: chr11-78441084-T-C. GRCh37 (hg19) VCF-style: chr11-78152130-T-C.
Other names: p.?; c.608+7A>G (NM_001243251.2).
Identifiers: ClinVar variation 381168 (VCV000381168.50), dbSNP rs201591441, ClinGen allele CA6205517.